The following is an entry in ClinVar:

NM_000528.4(MAN2B1):c.1753C>T (p.Arg585Cys)

Gene: MAN2B1 (mannosidase alpha class 2B member 1; minus strand). Cytogenetic location: 19p13.13.
Variant type: single nucleotide variant.
Coding change: c.1753C>T on transcript NM_000528.4 (MANE Select); coding-DNA position 1753, C replaced by T.
Protein change: p.Arg585Cys; replaces arginine 585 with cysteine.
Molecular consequence: missense variant.
Genome position (GRCh38, 1-based): chr19:12,655,771, G>A on the plus strand (C>T on the coding strand, the complement: MAN2B1 is on the minus strand). VCF-style: chr19-12655771-G-A. GRCh37 (hg19) VCF-style: chr19-12766585-G-A.
Other names: c.1750C>T, p.Arg584Cys (NM_001173498.2); short protein forms R585C, R584C.
Identifiers: ClinVar variation 945249 (VCV000945249.7), dbSNP rs764543590, ClinGen allele CA9226332.

ClinVar aggregate classification (germline): Uncertain significance. Review status: criteria provided, multiple submitters, no conflicts (2 of 4 stars). 3 submissions from 3 submitters: Uncertain significance (2). 1 of the submissions does not count toward it. Last evaluated 2024-05-08.

Conditions:
Inborn genetic diseases. Identifiers: MedGen C0950123, MeSH D030342.
Deficiency of alpha-mannosidase (MANSA). Also called: Mannosidosis, alpha-, types I and II; LYSOSOMAL ALPHA-D-MANNOSIDASE DEFICIENCY; Alpha-Mannosidosis. Identifiers: Orphanet 61, MedGen C0024748, MONDO:0009561, OMIM 248500.

Allele frequency attached by ClinVar (database versions not stated): ExAC 0.00001; TOPMed 0.00002; gnomAD 0.00003.
gnomAD v4.1: 27 of 1,608,634 alleles (0.0017%); highest among the groups gnomAD compares: Middle Eastern, 0.033%; no homozygotes.

Submissions (3):

Ambry Genetics
Classification: Uncertain significance for Inborn genetic diseases. Last evaluated: 2024-05-08. Review status: criteria provided, single submitter. Criteria: Ambry Variant Classification Scheme 2023. Collection method: clinical testing. Allele origin: germline.

Labcorp Genetics (formerly Invitae), Labcorp
Classification: Uncertain significance for Deficiency of alpha-mannosidase. Last evaluated: 2021-12-02. Review status: criteria provided, single submitter. Criteria: Invitae Variant Classification Sherloc (09022015). Collection method: clinical testing. Allele origin: germline.
Comment: This sequence change replaces arginine, which is basic and polar, with cysteine, which is neutral and slightly polar, at codon 585 of the MAN2B1 protein (p.Arg585Cys). This variant is present in population databases (rs764543590, gnomAD 0.003%). This variant has not been reported in the literature in individuals affected with MAN2B1-related conditions. ClinVar contains an entry for this variant (Variation ID: 945249). Algorithms developed to predict the effect of missense changes on protein structure and function are either unavailable or do not agree on the potential impact of this missense change (SIFT: "Deleterious"; PolyPhen-2: "Benign"; Align-GVGD: "Class C0"). In summary, the available evidence is currently insufficient to determine the role of this variant in disease. Therefore, it has been classified as a Variant of Uncertain Significance.

Natera, Inc.
Classification: Uncertain significance for Alpha-mannosidosis. Last evaluated: 2020-02-13. Review status: no assertion criteria provided. Collection method: clinical testing. Allele origin: germline. Not counted in ClinVar's aggregate classification.